The following is an entry in ClinVar:

NM_148919.4(PSMB8):c.227_230dup (p.Phe78fs)

Gene: PSMB8 (proteasome 20S subunit beta 8; minus strand). Cytogenetic location: 6p21.32.
Variant type: Duplication.
Coding change: c.227_230dup on transcript NM_148919.4 (MANE Select); coding-DNA positions 227 to 230, 4 bases duplicated (TCGC; older notation c.227_230dupTCGC).
Protein change: p.Phe78fs; shifts the reading frame from phenylalanine 78.
Molecular consequence: frameshift variant.
Genome position (GRCh38, 1-based): chr6:32,843,007-32,843,010, GCGA duplicated on the plus strand (TCGC on the coding strand, the reverse complement: PSMB8 is on the minus strand); duplicating any 4 consecutive bases within chr6:32,843,007-32,843,013 gives the same sequence; the c. name uses the placement nearest the transcript's 3' end. VCF-style (leftmost placement, unchanged base first): chr6-32843006-G-GGCGA. GRCh37 (hg19) VCF-style: chr6-32810783-G-GGCGA.
Other names: c.215_218dup, p.Phe74fs (NM_004159.5); short protein forms F74fs, F78fs.
Identifiers: ClinVar variation 2768840 (VCV002768840.3), dbSNP rs1582609458, ClinGen allele CA2697553293.
Genomic context (GRCh38, chr6:32,843,006, plus strand): 5'-GTAGGACCCAGCTGAGGCCCGAGAATCCACTGCTGCAATCACTCCATGCTGGAACTTGAA[G>GGCGA]GCGAGCGTGGTGGTGCCATGGGCCATCTCAATCTGAACGTTCCTTTCTCCGTCCCCACCC-3'

ClinVar aggregate classification (germline): Pathogenic (1 of 4 stars; one submission).

Conditions:
Proteosome-associated autoinflammatory syndrome. Also called: Proteasome-associated autoinflammatory syndrome. Identifiers: Orphanet 324977, MedGen C1850568, MONDO:0009726.

Submission:

Labcorp Genetics (formerly Invitae), Labcorp
Classification: Pathogenic for Proteosome-associated autoinflammatory syndrome. Last evaluated: 2023-10-15. Review status: criteria provided, single submitter. Criteria: Invitae Variant Classification Sherloc (09022015). Collection method: clinical testing. Allele origin: germline.
Comment: This sequence change creates a premature translational stop signal (p.Phe78Argfs*23) in the PSMB8 gene. It is expected to result in an absent or disrupted protein product. Loss-of-function variants in PSMB8 are known to be pathogenic (PMID: 26524591). This variant is not present in population databases (gnomAD no frequency). This variant has not been reported in the literature in individuals affected with PSMB8-related conditions. For these reasons, this variant has been classified as Pathogenic.

Literature cited by the submitters: PubMed 26524591.